The following is an entry in ClinVar:

ClinVar aggregate classification (germline): Uncertain significance (1 of 4 stars; one submission).

Conditions:
Neurodevelopmental disorder with nonspecific brain abnormalities and with or without seizures. Identifiers: MedGen C5231470, MONDO:0032877, OMIM 618709.

Allele frequency attached by ClinVar (database versions not stated): gnomAD exomes below 0.00001.
gnomAD v4.1: 1 of 1,613,280 alleles (0.000062%); highest among the groups gnomAD compares: Non-Finnish European, 0.000085%; no homozygotes.

Submission:

Breda Genetics srl
Classification: Uncertain significance for Neurodevelopmental disorder with nonspecific brain abnormalities and with or without seizures. Last evaluated: 2021-01-22. Review status: criteria provided, single submitter. Criteria: ACMG Guidelines, 2015. Collection method: clinical testing. Allele origin: germline. Inheritance: Autosomal dominant inheritance. Affected: yes. Observed: 1 variant allele, 1 heterozygote.
Comment: Based on allele frequency, in-silico prediction scores and a certain overlap with the clinical phenotype, we interpreted this variant at least as of uncertain significance. The lack of one or more of the following features has discouraged further investigations: lack of a possible second hit in autosomal recessive conditions, presence of healthy controls in databases for autosomal dominant conditions, presence of unmatching cardinal clinical features in the patient or in the known gene-disease association, and/or variant type outside the known gene mutational spectrum.

NM_005618.4(DLL1):c.1964G>A (p.Arg655Lys)

Genes: DLL1 (delta like canonical Notch ligand 1; minus strand), LOC126859913 (P300/CBP strongly-dependent group 1 enhancer GRCh37_chr6:170591232-170592431; plus strand). Cytogenetic location: 6q27.
Variant type: single nucleotide variant.
Coding change: c.1964G>A on transcript NM_005618.4 (MANE Select); coding-DNA position 1964, G replaced by A.
Protein change: p.Arg655Lys; replaces arginine 655 with lysine.
Molecular consequence: missense variant.
Genome position (GRCh38, 1-based): chr6:170,283,315, C>T on the plus strand (G>A on the coding strand, the complement: DLL1 is on the minus strand). VCF-style: chr6-170283315-C-T. GRCh37 (hg19) VCF-style: chr6-170592403-C-T.
Other names: short protein forms R655K.
Identifiers: ClinVar variation 1298343 (VCV001298343.1), dbSNP rs2114957465, ClinGen allele CA366506184.